The following is an entry in ClinVar:

ClinVar aggregate classification (germline): Uncertain significance (1 of 4 stars; one submission).

Conditions:
Alfadhel syndrome (AFDL). Identifiers: MedGen C5882735, MONDO:0958001, OMIM 620655.

Submission:

OLLIN Analises Genomicas, OLLIN
Classification: Uncertain significance for Alfadhel syndrome. Last evaluated: 2026-08-06. Review status: criteria provided, single submitter. Criteria: ACMG Guidelines 2015 PMID 25741868. Collection method: clinical testing. Allele origin: germline.
Comment: This variant is absent from gnomAD and ClinVar and has not been found in the scientific literature. According to the currently available evidence, this variant has been classified as uncertain significance (PM2_P, PP3).

NM_001100427.2(RAP1GDS1):c.1440+5G>C

Gene: RAP1GDS1 (Rap1 GTPase-GDP dissociation stimulator 1; plus strand). Cytogenetic location: 4q23.
Variant type: single nucleotide variant.
Coding change: c.1440+5G>C on transcript NM_001100427.2 (MANE Select); 5 bases into the intron after coding-DNA position 1440, G replaced by C.
Molecular consequence: intron variant.
Genome position (GRCh38, 1-based): chr4:98,421,399, G>C. VCF-style: chr4-98421399-G-C. GRCh37 (hg19) VCF-style: chr4-99342550-G-C.
Other names: c.1443+5G>C (NM_001100426.2); c.1440+5G>C (NM_021159.5); c.1296+5G>C (NM_001100428.2); c.1167+5G>C (NM_001100430.2); c.1293+5G>C (NM_001100429.2).
Identifiers: ClinVar variation 5003194 (VCV005003194.1).